The following is an entry in ClinVar:

ClinVar aggregate classification (germline): Uncertain significance. Review status: criteria provided, multiple submitters, no conflicts (2 of 4 stars). 2 submissions from 2 submitters: Uncertain significance (2). Last evaluated 2024-11-18.

Conditions:
Arrhythmogenic right ventricular dysplasia 9 (ARVD9). Also called: ARRHYTHMOGENIC RIGHT VENTRICULAR DYSPLASIA, FAMILIAL, 9; Arrhythmogenic Right Ventricular Dysplasia/Cardiomyopathy 9. Identifiers: MedGen C1836906, MONDO:0012180, OMIM 609040.

Submissions (2):

Women's Health and Genetics/Laboratory Corporation of America, LabCorp
Classification: Uncertain significance. Last evaluated: 2024-11-18. Review status: criteria provided, single submitter. Criteria: LabCorp Variant Classification Summary - May 2015. Collection method: clinical testing. Allele origin: germline.
Comment: Variant summary: PKP2 c.2325_2330delTTCCAT (p.Ser776_Ile777del) results in an in-frame deletion that is predicted to remove 2 amino acids from the encoded protein. The variant was absent in 251278 control chromosomes (gnomAD). The available data on variant occurrences in the general population are insufficient to allow any conclusion about variant significance. To our knowledge, no occurrence of c.2325_2330delTTCCAT in individuals affected with Arrhythmogenic Right Ventricular Dysplasia/Cardiomyopathy and no experimental evidence demonstrating its impact on protein function have been reported. ClinVar contains an entry for this variant (Variation ID: 2043751). Based on the evidence outlined above, the variant was classified as uncertain significance.

Labcorp Genetics (formerly Invitae), Labcorp
Classification: Uncertain significance for Arrhythmogenic right ventricular dysplasia 9. Last evaluated: 2024-02-14. Review status: criteria provided, single submitter. Criteria: Invitae Variant Classification Sherloc (09022015). Collection method: clinical testing. Allele origin: germline.
Comment: This variant, c.2325_2330del, results in the deletion of 2 amino acid(s) of the PKP2 protein (p.Ser776_Ile777del), but otherwise preserves the integrity of the reading frame. This variant is not present in population databases (gnomAD no frequency). This variant has not been reported in the literature in individuals affected with PKP2-related conditions. ClinVar contains an entry for this variant (Variation ID: 2043751). Experimental studies and prediction algorithms are not available or were not evaluated, and the functional significance of this variant is currently unknown. In summary, the available evidence is currently insufficient to determine the role of this variant in disease. Therefore, it has been classified as a Variant of Uncertain Significance.

NM_001005242.3(PKP2):c.2193_2198del (p.Ser732_Ile733del)

Gene: PKP2 (plakophilin 2; minus strand). Cytogenetic location: 12p11.21.
Variant type: Deletion.
Coding change: c.2193_2198del on transcript NM_001005242.3 (MANE Select); coding-DNA positions 2193 to 2198, 6 bases deleted (TTCCAT; older notation c.2193_2198delTTCCAT).
Protein change: p.Ser732_Ile733del.
Molecular consequence: inframe deletion. On other transcripts: inframe indel (3).
Genome position (GRCh38, 1-based): chr12:32,796,268-32,796,273, ATGGAA deleted on the plus strand (TTCCAT on the coding strand, the reverse complement: PKP2 is on the minus strand); deleting any 6 consecutive bases within chr12:32,796,268-32,796,274 gives the same sequence; the c. name uses the placement nearest the transcript's 3' end. VCF-style (leftmost placement, unchanged base first): chr12-32796267-GATGGAA-G. GRCh37 (hg19) VCF-style: chr12-32949201-GATGGAA-G.
Other names: c.2325_2330delTTCCAT (NM_004572.4); c.2027_2032delTTTCCA, p.Ser677_Ile678del (NM_001407156.1); c.1865_1870delTTTCCA, p.Ser623_Ile624del (NM_001407158.1, NM_001407159.1); c.2325_2330del, p.Ser776_Ile777del (NM_004572.4).
Identifiers: ClinVar variation 2043751 (VCV002043751.5), dbSNP rs1369810529, ClinGen allele CA687431092.
Genomic context (GRCh38, chr12:32,796,267, plus strand): 5'-GTAACAGGCAGAGGCTGTAGTTTCAATGAGAAGGTCAGTACTCGGGACTGTGTCAGGAAT[GATGGAA>G]ACCAAATCAGGGAGAGTTTCTTTGGCTACAAAATGAAAAAAAAAACAAAACACTTGATTA-3'